The following is an entry in ClinVar:

NM_000051.4(ATM):c.5279dup (p.Met1760fs)

Gene: ATM (ATM serine/threonine kinase; plus strand). Cytogenetic location: 11q22.3.
Variant type: Duplication.
Coding change: c.5279dup on transcript NM_000051.4 (MANE Select); coding-DNA position 5279, one base duplicated (T; older notation c.5279dupT).
Protein change: p.Met1760fs; shifts the reading frame from methionine 1760.
Molecular consequence: frameshift variant.
Genome position (GRCh38, 1-based): chr11:108,301,749, T duplicated. VCF-style (leftmost placement, unchanged base first): chr11-108301748-A-AT. GRCh37 (hg19) VCF-style: chr11-108172475-A-AT.
Other names: c.5279dup, p.Met1760fs (NM_001351834.2); short protein forms M1760fs.
Identifiers: ClinVar variation 1390154 (VCV001390154.6), dbSNP rs2135914599, ClinGen allele CA2573146552.

ClinVar aggregate classification (germline): Pathogenic (1 of 4 stars; one submission).

Conditions:
Ataxia-telangiectasia syndrome (AT). Also called: Ataxia-telangiectasia, complementation group D; Ataxia telangiectasia (A-T); Cerebello-oculocutaneous telangiectasia; Immunodeficiency with ataxia telangiectasia; ATAXIA-TELANGIECTASIA, COMPLEMENTATION GROUP A; ATAXIA-TELANGIECTASIA, FRESNO VARIANT. Identifiers: Orphanet 100, MedGen C0004135, MONDO:0008840, OMIM 208900.

Submission:

Labcorp Genetics (formerly Invitae), Labcorp
Classification: Pathogenic for Ataxia-telangiectasia syndrome. Last evaluated: 2021-03-13. Review status: criteria provided, single submitter. Criteria: Invitae Variant Classification Sherloc (09022015). Collection method: clinical testing. Allele origin: germline.
Comment: For these reasons, this variant has been classified as Pathogenic. This variant has not been reported in the literature in individuals with ATM-related conditions. This variant is not present in population databases (ExAC no frequency). This sequence change creates a premature translational stop signal (p.Met1760Ilefs*9) in the ATM gene. It is expected to result in an absent or disrupted protein product. Loss-of-function variants in ATM are known to be pathogenic (PMID: 23807571, 25614872).

Literature cited by the submitters: PubMed 23807571; PubMed 25614872.